The following is an entry in ClinVar:

NM_001134363.3(RBM20):c.2242T>C (p.Ser748Pro)

Gene: RBM20 (RNA binding motif protein 20; plus strand). Cytogenetic location: 10q25.2.
Variant type: single nucleotide variant.
Coding change: c.2242T>C on transcript NM_001134363.3 (MANE Select); coding-DNA position 2242, T replaced by C.
Protein change: p.Ser748Pro; replaces serine 748 with proline.
Molecular consequence: missense variant.
Genome position (GRCh38, 1-based): chr10:110,812,639, T>C. VCF-style: chr10-110812639-T-C. GRCh37 (hg19) VCF-style: chr10-112572397-T-C.
Other names: short protein forms S748P.
Identifiers: ClinVar variation 1516509 (VCV001516509.8), dbSNP rs2135105234, ClinGen allele CA378372953.

ClinVar aggregate classification (germline): Uncertain significance (1 of 4 stars; one submission).

Conditions:
Dilated cardiomyopathy 1DD (CMD1DD). Identifiers: Orphanet 154, MedGen C2750995, MONDO:0013168, OMIM 613172.

Submission:

Labcorp Genetics (formerly Invitae), Labcorp
Classification: Uncertain significance for Dilated cardiomyopathy 1DD. Last evaluated: 2021-01-13. Review status: criteria provided, single submitter. Criteria: Invitae Variant Classification Sherloc (09022015). Collection method: clinical testing. Allele origin: germline.
Comment: This sequence change replaces serine with proline at codon 748 of the RBM20 protein (p.Ser748Pro). The serine residue is moderately conserved and there is a moderate physicochemical difference between serine and proline. This variant is not present in population databases (ExAC no frequency). This variant has not been reported in the literature in individuals with RBM20-related conditions. Advanced modeling of protein sequence and biophysical properties (such as structural, functional, and spatial information, amino acid conservation, physicochemical variation, residue mobility, and thermodynamic stability) performed at Invitae indicates that this missense variant is not expected to disrupt RBM20 protein function. In summary, the available evidence is currently insufficient to determine the role of this variant in disease. Therefore, it has been classified as a Variant of Uncertain Significance.